The following is an entry in ClinVar:

ClinVar aggregate classification (germline): Uncertain significance. Review status: criteria provided, multiple submitters, no conflicts (2 of 4 stars). 3 submissions from 3 submitters: Uncertain significance (3). Last evaluated 2025-11-03.

Conditions:
Cardiovascular phenotype. Identifiers: MedGen CN230736.
Brugada syndrome 4 (BRGDA4). Identifiers: Orphanet 130, MedGen C2678477, MONDO:0012743, OMIM 611876.

Allele frequency attached by ClinVar (database versions not stated): ExAC 0.00001; gnomAD exomes 0.00001; TOPMed 0.00002.
gnomAD v4.1: 19 of 1,612,402 alleles (0.0012%); highest among the groups gnomAD compares: South Asian, 0.0033%; no homozygotes.

Submissions (3):

Labcorp Genetics (formerly Invitae), Labcorp
Classification: Uncertain significance for Brugada syndrome 4. Last evaluated: 2025-11-03. Review status: criteria provided, single submitter. Criteria: Invitae Variant Classification Sherloc (09022015). Collection method: clinical testing. Allele origin: germline.
Comment: This sequence change replaces proline, which is neutral and non-polar, with leucine, which is neutral and non-polar, at codon 220 of the CACNB2 protein (p.Pro220Leu). This variant is present in population databases (rs767304274, gnomAD 0.003%). This variant has not been reported in the literature in individuals affected with CACNB2-related conditions. ClinVar contains an entry for this variant (Variation ID: 519389). Invitae Evidence Modeling of protein sequence and biophysical properties (such as structural, functional, and spatial information, amino acid conservation, physicochemical variation, residue mobility, and thermodynamic stability) indicates that this missense variant is expected to disrupt CACNB2 protein function with a positive predictive value of 80%. In summary, the available evidence is currently insufficient to determine the role of this variant in disease. Therefore, it has been classified as a Variant of Uncertain Significance.

Ambry Genetics
Classification: Uncertain significance for Cardiovascular phenotype. Last evaluated: 2024-12-17. Review status: criteria provided, single submitter. Criteria: Ambry Variant Classification Scheme 2023. Collection method: clinical testing. Allele origin: germline.
Comment: The p.P220L variant (also known as c.659C>T), located in coding exon 7 of the CACNB2 gene, results from a C to T substitution at nucleotide position 659. The proline at codon 220 is replaced by leucine, an amino acid with similar properties. This amino acid position is highly conserved in available vertebrate species. In addition, this alteration is predicted to be deleterious by in silico analysis. Since supporting evidence is limited at this time, the clinical significance of this alteration remains unclear.

CeGaT Center for Human Genetics Tuebingen
Classification: Uncertain significance. Last evaluated: 2023-02-01. Review status: criteria provided, single submitter. Criteria: CeGaT Center For Human Genetics Tuebingen Variant Classification Criteria Version 2. Collection method: clinical testing. Allele origin: germline. Affected: yes. Observed: 1 variant allele.
Comment: CACNB2: PM2

NM_201596.3(CACNB2):c.821C>T (p.Pro274Leu)

Gene: CACNB2 (calcium voltage-gated channel auxiliary subunit beta 2; plus strand). Cytogenetic location: 10p12.31.
Variant type: single nucleotide variant.
Coding change: c.821C>T on transcript NM_201596.3 (MANE Select); coding-DNA position 821, C replaced by T.
Protein change: p.Pro274Leu; replaces proline 274 with leucine.
Molecular consequence: missense variant.
Genome position (GRCh38, 1-based): chr10:18,518,352, C>T. VCF-style: chr10-18518352-C-T. GRCh37 (hg19) VCF-style: chr10-18807281-C-T.
Other names: c.656C>T, p.Pro219Leu (NM_000724.4); c.623C>T, p.Pro208Leu (NM_001167945.2); c.542C>T, p.Pro181Leu (NM_001330060.2); c.677C>T, p.Pro226Leu (NM_201570.3); c.737C>T, p.Pro246Leu (NM_201571.4); c.665C>T, p.Pro222Leu (NM_201572.4); c.659C>T, p.Pro220Leu (NM_201590.3); c.707C>T, p.Pro236Leu (NM_201593.3); and 1 more; short protein forms P220L, P274L, P208L, P219L, P226L, P246L, P250L, P222L.
Identifiers: ClinVar variation 519389 (VCV000519389.31), dbSNP rs767304274, ClinGen allele CA5429795.